The following is an entry in ClinVar:

ClinVar aggregate classification (germline): Likely pathogenic (1 of 4 stars; one submission).

Conditions:
Baller-Gerold syndrome (BGS). Also called: CRANIOSYNOSTOSIS WITH RADIAL DEFECTS. Identifiers: Orphanet 1225, MedGen C0265308, MONDO:0009039, OMIM 218600.

Submission:

Labcorp Genetics (formerly Invitae), Labcorp
Classification: Likely pathogenic for Baller-Gerold syndrome. Last evaluated: 2023-04-26. Review status: criteria provided, single submitter. Criteria: Invitae Variant Classification Sherloc (09022015). Collection method: clinical testing. Allele origin: germline.
Comment: This sequence change affects a donor splice site in intron 14 of the RECQL4 gene. It is expected to disrupt RNA splicing. Variants that disrupt the donor or acceptor splice site typically lead to a loss of protein function (PMID: 16199547), and loss-of-function variants in RECQL4 are known to be pathogenic (PMID: 12734318, 12952869). This variant is not present in population databases (gnomAD no frequency). This variant has not been reported in the literature in individuals affected with RECQL4-related conditions. ClinVar contains an entry for this variant (Variation ID: 1066953). Algorithms developed to predict the effect of sequence changes on RNA splicing suggest that this variant may disrupt the consensus splice site. In summary, the currently available evidence indicates that the variant is pathogenic, but additional data are needed to prove that conclusively. Therefore, this variant has been classified as Likely Pathogenic.

Literature cited by the submitters: PubMed 16199547; PubMed 12734318; PubMed 12952869.

NM_004260.4(RECQL4):c.2463+2T>C

Gene: RECQL4 (RecQ like helicase 4; minus strand). Cytogenetic location: 8q24.3.
Variant type: single nucleotide variant.
Coding change: c.2463+2T>C on transcript NM_004260.4 (MANE Select); the canonical splice donor site of the intron after coding-DNA position 2463, T replaced by C.
Molecular consequence: splice donor variant. On other transcripts: intron variant (3).
Genome position (GRCh38, 1-based): chr8:144,513,216, A>G on the plus strand (T>C on the coding strand, the complement: RECQL4 is on the minus strand). VCF-style: chr8-144513216-A-G. GRCh37 (hg19) VCF-style: chr8-145738599-A-G.
Other names: c.2334+2T>C (NM_001413025.1); c.2112+2T>C (NM_001413029.1); c.1326+2T>C (NM_001413032.1, NM_001413027.1, NM_001413030.1 and 1 more transcripts); c.1392+2T>C (NM_001413035.1, NM_001413040.1, NM_001413021.1 and 5 more transcripts); c.2170-78T>C (NM_001413017.1); c.2367+2T>C (NM_001413020.1); c.2433+2T>C (NM_001413039.1); c.2331+2T>C (NM_001413033.1); and 7 more.
Identifiers: ClinVar variation 1066953 (VCV001066953.5), dbSNP rs2130676059, ClinGen allele CA372677822.
Genomic context (GRCh38, chr8:144,513,216, plus strand): 5'-TGAGGGTGGGGTGGACCACTGGGGGCTCGAGCACTGGCAGTGTGGGGGGGGGGGGTGCCA[A>G]CCTGGGGCTGCAGGAAGAGGTGGCAGTGGGCAGGCTGCCCGTCACGCCCGGCCCGGCCCA-3'